The following is an entry in ClinVar:

NM_004278.4(PIGL):c.701G>A (p.Arg234His)

Gene: PIGL (phosphatidylinositol glycan anchor biosynthesis class L; plus strand). Cytogenetic location: 17p11.2.
Variant type: single nucleotide variant.
Coding change: c.701G>A on transcript NM_004278.4 (MANE Select); coding-DNA position 701, G replaced by A.
Protein change: p.Arg234His; replaces arginine 234 with histidine.
Molecular consequence: missense variant. On other transcripts: synonymous variant (1).
Genome position (GRCh38, 1-based): chr17:16,325,840, G>A. VCF-style: chr17-16325840-G-A. GRCh37 (hg19) VCF-style: chr17-16229154-G-A.
Other names: c.669G>A, p.Pro223= (NM_001411072.1); short protein forms R234H.
Identifiers: ClinVar variation 2505636 (VCV002505636.3), dbSNP rs967814478, ClinGen allele CA288216359.

ClinVar aggregate classification (germline): Pathogenic/Likely pathogenic. Review status: criteria provided, multiple submitters, no conflicts (2 of 4 stars). 2 submissions from 2 submitters: Pathogenic (1); Likely pathogenic (1). Last evaluated 2024-12-16.

Allele frequency attached by ClinVar (database versions not stated): gnomAD 0.00001; gnomAD exomes 0.00001; TOPMed 0.00003.
gnomAD v4.1: 11 of 1,613,726 alleles (0.00068%); highest among the groups gnomAD compares: Admixed American, 0.0033%; no homozygotes.

Submissions (2):

Labcorp Genetics (formerly Invitae), Labcorp
Classification: Pathogenic. Last evaluated: 2024-12-16. Review status: criteria provided, single submitter. Criteria: Invitae Variant Classification Sherloc (09022015). Collection method: clinical testing. Allele origin: germline.
Comment: This sequence change replaces arginine, which is basic and polar, with histidine, which is basic and polar, at codon 234 of the PIGL protein (p.Arg234His). This variant is not present in population databases (gnomAD no frequency). This missense change has been observed in individual(s) with clinical features of CHIME syndrome (PMID: 29444765; internal data). In at least one individual the data is consistent with being in trans (on the opposite chromosome) from a pathogenic variant. It has also been observed to segregate with disease in related individuals. ClinVar contains an entry for this variant (Variation ID: 2505636). An algorithm developed to predict the effect of missense changes on protein structure and function (PolyPhen-2) suggests that this variant is likely to be disruptive. For these reasons, this variant has been classified as Pathogenic.

GeneDx
Classification: Likely pathogenic. Last evaluated: 2022-12-17. Review status: criteria provided, single submitter. Criteria: GeneDx Variant Classification Process June 2021. Collection method: clinical testing. Allele origin: germline. Affected: yes.
Comment: Identified in three siblings with PIGL-related GPI biosynthesis disorder in published literature (Mogami et al., 2018); Not observed at significant frequency in large population cohorts (gnomAD); In silico analysis supports that this missense variant has a deleterious effect on protein structure/function; This variant is associated with the following publications: (PMID: 29444765)

Literature cited by the submitters: PubMed 29444765 (cited by Labcorp Genetics (formerly Invitae), Labcorp).